The following is an entry in ClinVar:

NM_002519.3(NPAT):c.889G>A (p.Glu297Lys)

Gene: NPAT (nuclear protein, coactivator of histone transcription; minus strand). Cytogenetic location: 11q22.3.
Variant type: single nucleotide variant.
Coding change: c.889G>A on transcript NM_002519.3 (MANE Select); coding-DNA position 889, G replaced by A.
Protein change: p.Glu297Lys; replaces glutamic acid 297 with lysine.
Molecular consequence: missense variant.
Genome position (GRCh38, 1-based): chr11:108,185,249, C>T on the plus strand (G>A on the coding strand, the complement: NPAT is on the minus strand). VCF-style: chr11-108185249-C-T. GRCh37 (hg19) VCF-style: chr11-108055976-C-T.
Other names: c.889G>A, p.Glu297Lys (NM_001321307.1); short protein forms E297K.
Identifiers: ClinVar variation 3659915 (VCV003659915.2).
Genomic context (GRCh38, chr11:108,185,249, plus strand): 5'-TAAGTAACACACACGCACCCATGCACACCCCAACCACCCATACCGGAAGTCCTAGGAATT[C>T]ATCAATTGAAGTCTCTGGCTCCGTAGGGTTGTTATCTGTTTGCTTAGGTACTTGGGCAAT-3'
Protein context (NP_002510.2, residues 287-307): NPTEPETSID[Glu297Lys]FLGLPSEIHM

ClinVar aggregate classification (germline): Uncertain significance (1 of 4 stars; one submission).

gnomAD v4.1: 3 of 1,611,342 alleles (0.00019%); highest among the groups gnomAD compares: Non-Finnish European, 0.00025%; no homozygotes.

Submission:

Labcorp Genetics (formerly Invitae), Labcorp
Classification: Uncertain significance. Last evaluated: 2024-07-19. Review status: criteria provided, single submitter. Criteria: Invitae Variant Classification Sherloc (09022015). Collection method: clinical testing. Allele origin: germline.
Comment: This sequence change replaces glutamic acid, which is acidic and polar, with lysine, which is basic and polar, at codon 297 of the NPAT protein (p.Glu297Lys). This variant is not present in population databases (gnomAD no frequency). This variant has not been reported in the literature in individuals affected with NPAT-related conditions. An algorithm developed to predict the effect of missense changes on protein structure and function (PolyPhen-2) suggests that this variant is likely to be disruptive. In summary, the available evidence is currently insufficient to determine the role of this variant in disease. Therefore, it has been classified as a Variant of Uncertain Significance.